The following is an entry in ClinVar:

NM_032043.3(BRIP1):c.2576-12C>T

Gene: BRIP1 (BRCA1 interacting DNA helicase 1; minus strand). Cytogenetic location: 17q23.2.
Variant type: single nucleotide variant.
Coding change: c.2576-12C>T on transcript NM_032043.3 (MANE Select); 12 bases into the intron before coding-DNA position 2576, C replaced by T.
Molecular consequence: intron variant.
Genome position (GRCh38, 1-based): chr17:61,686,177, G>A on the plus strand (C>T on the coding strand, the complement: BRIP1 is on the minus strand). VCF-style: chr17-61686177-G-A. GRCh37 (hg19) VCF-style: chr17-59763538-G-A.
Identifiers: ClinVar variation 1668853 (VCV001668853.10), dbSNP rs2061362510, ClinGen allele CA2269132067.

ClinVar aggregate classification (germline): Likely benign. Review status: criteria provided, multiple submitters, no conflicts (2 of 4 stars). 2 submissions from 2 submitters: Likely benign (2). Last evaluated 2024-09-05.

Conditions:
Fanconi anemia complementation group J. Also called: BRIP1-Related Fanconi Anemia. Identifiers: Orphanet 84, MedGen C1836860, MONDO:0012187, OMIM 609054.
Familial cancer of breast. Also called: hereditary breast carcinoma; BREAST CANCER, FAMILIAL; Hereditary breast cancer. Identifiers: Orphanet 227535, MedGen C0346153, MONDO:0016419, OMIM 114480. Disease mechanism: loss of function.

Allele frequency attached by ClinVar (database versions not stated): gnomAD exomes below 0.00001.
gnomAD v4.1: 1 of 1,612,856 alleles (0.000062%); highest among the groups gnomAD compares: Non-Finnish European, 0.000085%; no homozygotes.

Submissions (2):

Myriad Genetics, Inc.
Classification: Likely benign for Familial cancer of breast. Last evaluated: 2024-09-05. Review status: criteria provided, single submitter. Criteria: Myriad Autosomal Dominant, Autosomal Recessive and X-Linked Classification Criteria (2023). Collection method: clinical testing. Allele origin: unknown.
Comment: This variant is considered likely benign. This variant is intronic and is not expected to impact mRNA splicing.

Labcorp Genetics (formerly Invitae), Labcorp
Classification: Likely benign for Familial cancer of breast; Fanconi anemia complementation group J. Last evaluated: 2021-07-24. Review status: criteria provided, single submitter. Criteria: Invitae Variant Classification Sherloc (09022015). Collection method: clinical testing. Allele origin: germline.